The following is an entry in ClinVar:

ClinVar aggregate classification (germline): Uncertain significance (1 of 4 stars; one submission).

Allele frequency attached by ClinVar (database versions not stated): gnomAD exomes below 0.00001.
gnomAD v4.1: 3 of 1,614,116 alleles (0.00019%); highest among the groups gnomAD compares: Non-Finnish European, 0.00025%; no homozygotes.

Submission:

Labcorp Genetics (formerly Invitae), Labcorp
Classification: Uncertain significance. Last evaluated: 2024-02-26. Review status: criteria provided, single submitter. Criteria: Invitae Variant Classification Sherloc (09022015). Collection method: clinical testing. Allele origin: germline.
Comment: This sequence change replaces aspartic acid, which is acidic and polar, with glutamic acid, which is acidic and polar, at codon 816 of the ARHGAP31 protein (p.Asp816Glu). This variant is not present in population databases (gnomAD no frequency). This variant has not been reported in the literature in individuals affected with ARHGAP31-related conditions. ClinVar contains an entry for this variant (Variation ID: 2094678). An algorithm developed to predict the effect of missense changes on protein structure and function (PolyPhen-2) suggests that this variant is likely to be tolerated. In summary, the available evidence is currently insufficient to determine the role of this variant in disease. Therefore, it has been classified as a Variant of Uncertain Significance.

NM_020754.4(ARHGAP31):c.2448T>G (p.Asp816Glu)

Gene: ARHGAP31 (Rho GTPase activating protein 31; plus strand). Cytogenetic location: 3q13.33.
Variant type: single nucleotide variant.
Coding change: c.2448T>G on transcript NM_020754.4 (MANE Select); coding-DNA position 2448, T replaced by G.
Protein change: p.Asp816Glu; replaces aspartic acid 816 with glutamic acid.
Molecular consequence: missense variant.
Genome position (GRCh38, 1-based): chr3:119,414,377, T>G. VCF-style: chr3-119414377-T-G. GRCh37 (hg19) VCF-style: chr3-119133224-T-G.
Other names: short protein forms D816E.
Identifiers: ClinVar variation 2094678 (VCV002094678.4), dbSNP rs2472875883, ClinGen allele CA354051338.